The following is an entry in ClinVar:

ClinVar aggregate classification (germline): Uncertain significance (1 of 4 stars; one submission).

Submission:

Ambry Genetics
Classification: Uncertain significance. Last evaluated: 2020-12-21. Review status: criteria provided, single submitter. Criteria: Ambry Variant Classification Scheme 2023. Collection method: clinical testing. Allele origin: germline.
Comment: The p.L135I variant (also known as c.403C>A), located in coding exon 4 of the RECQL gene, results from a C to A substitution at nucleotide position 403. The leucine at codon 135 is replaced by isoleucine, an amino acid with highly similar properties. This amino acid position is highly conserved in available vertebrate species. In addition, this alteration is predicted to be tolerated by in silico analysis. Since supporting evidence is limited at this time, the clinical significance of this alteration remains unclear.

NM_002907.4(RECQL):c.403C>A (p.Leu135Ile)

Gene: RECQL (RecQ like helicase; minus strand). Cytogenetic location: 12p12.1.
Variant type: single nucleotide variant.
Coding change: c.403C>A on transcript NM_002907.4 (MANE Select); coding-DNA position 403, C replaced by A.
Protein change: p.Leu135Ile; replaces leucine 135 with isoleucine.
Molecular consequence: missense variant.
Genome position (GRCh38, 1-based): chr12:21,486,577, G>T on the plus strand (C>A on the coding strand, the complement: RECQL is on the minus strand). VCF-style: chr12-21486577-G-T. GRCh37 (hg19) VCF-style: chr12-21639511-G-T.
Other names: c.403C>A, p.Leu135Ile (NM_032941.3); short protein forms L135I.
Identifiers: ClinVar variation 1737267 (VCV001737267.2), dbSNP rs2540387520, ClinGen allele CA384130416.